The following is an entry in ClinVar:

NM_005235.3(ERBB4):c.3438T>A (p.Asp1146Glu)

Gene: ERBB4 (erb-b2 receptor tyrosine kinase 4; minus strand). Cytogenetic location: 2q34.
Variant type: single nucleotide variant.
Coding change: c.3438T>A on transcript NM_005235.3 (MANE Select); coding-DNA position 3438, T replaced by A.
Protein change: p.Asp1146Glu; replaces aspartic acid 1146 with glutamic acid.
Molecular consequence: missense variant.
Genome position (GRCh38, 1-based): chr2:211,386,896, A>T on the plus strand (T>A on the coding strand, the complement: ERBB4 is on the minus strand). VCF-style: chr2-211386896-A-T. GRCh37 (hg19) VCF-style: chr2-212251621-A-T.
Other names: c.3390T>A, p.Asp1130Glu (NM_001042599.2); c.3408T>A, p.Asp1136Glu (NM_001439005.1); c.3360T>A, p.Asp1120Glu (NM_001439006.1); short protein forms D1130E, D1120E, D1146E, D1136E.
Identifiers: ClinVar variation 4704547 (VCV004704547.1).

ClinVar aggregate classification (germline): Uncertain significance (1 of 4 stars; one submission).

gnomAD v4.1: 5 of 1,614,144 alleles (0.00031%); highest among the groups gnomAD compares: Non-Finnish European, 0.00042%; no homozygotes.

Submission:

Labcorp Genetics (formerly Invitae), Labcorp
Classification: Uncertain significance. Last evaluated: 2025-12-31. Review status: criteria provided, single submitter. Criteria: Invitae Variant Classification Sherloc (09022015). Collection method: clinical testing. Allele origin: germline.
Comment: This sequence change replaces aspartic acid, which is acidic and polar, with glutamic acid, which is acidic and polar, at codon 1146 of the ERBB4 protein (p.Asp1146Glu). This variant is not present in population databases (gnomAD no frequency). This variant has not been reported in the literature in individuals affected with ERBB4-related conditions. An algorithm developed to predict the effect of missense changes on protein structure and function (PolyPhen-2) suggests that this variant is likely to be disruptive. In summary, the available evidence is currently insufficient to determine the role of this variant in disease. Therefore, it has been classified as a Variant of Uncertain Significance.